The following is an entry in ClinVar:

ClinVar aggregate classification (germline): Uncertain significance (1 of 4 stars; one submission).

Allele frequency attached by ClinVar (database versions not stated): gnomAD exomes below 0.00001; gnomAD 0.00001.

Submission:

Labcorp Genetics (formerly Invitae), Labcorp
Classification: Uncertain significance. Last evaluated: 2022-05-11. Review status: criteria provided, single submitter. Criteria: Invitae Variant Classification Sherloc (09022015). Collection method: clinical testing. Allele origin: germline.
Comment: This sequence change replaces proline, which is neutral and non-polar, with leucine, which is neutral and non-polar, at codon 206 of the REEP6 protein (p.Pro206Leu). The frequency data for this variant in the population databases is considered unreliable, as metrics indicate poor data quality at this position in the gnomAD database. This variant has not been reported in the literature in individuals affected with REEP6-related conditions. Algorithms developed to predict the effect of missense changes on protein structure and function output the following: SIFT: "Not Available"; PolyPhen-2: "Not Available"; Align-GVGD: "Not Available". The leucine amino acid residue is found in multiple mammalian species, which suggests that this missense change does not adversely affect protein function. In summary, the available evidence is currently insufficient to determine the role of this variant in disease. Therefore, it has been classified as a Variant of Uncertain Significance.

NM_138393.4(REEP6):c.536C>T (p.Pro179Leu)

Gene: REEP6 (receptor accessory protein 6; plus strand). Cytogenetic location: 19p13.3.
Variant type: single nucleotide variant.
Coding change: c.536C>T on transcript NM_138393.4 (MANE Select); coding-DNA position 536, C replaced by T.
Protein change: p.Pro179Leu; replaces proline 179 with leucine.
Molecular consequence: missense variant.
Genome position (GRCh38, 1-based): chr19:1,497,192, C>T. VCF-style: chr19-1497192-C-T. GRCh37 (hg19) VCF-style: chr19-1497191-C-T.
Other names: c.617C>T, p.Pro206Leu (NM_001329556.3); short protein forms P206L, P179L.
Identifiers: ClinVar variation 1952251 (VCV001952251.3), dbSNP rs1213728054, ClinGen allele CA402995130.